The following is an entry in ClinVar:

NM_007294.4(BRCA1):c.5468-1G>A

Gene: BRCA1 (BRCA1 DNA repair associated; minus strand). Cytogenetic location: 17q21.31.
Variant type: single nucleotide variant.
Coding change: c.5468-1G>A on transcript NM_007294.4 (MANE Select); the canonical splice acceptor site of the intron before coding-DNA position 5468, G replaced by A.
Molecular consequence: splice acceptor variant.
Genome position (GRCh38, 1-based): chr17:43,045,803, C>T on the plus strand (G>A on the coding strand, the complement: BRCA1 is on the minus strand). VCF-style: chr17-43045803-C-T. GRCh37 (hg19) VCF-style: chr17-41197820-C-T.
Other names: IVS23-1G>A; c.5462-1G>A (NM_001407628.1, NM_001407637.1, NM_001407641.1 and 13 more transcripts); c.5391-1G>A (NM_001407860.1, NM_001407858.1, NM_001407859.1); c.5465-1G>A (NM_001407611.1, NM_001407624.1, NM_001407616.1 and 14 more transcripts); c.5528-1G>A (NM_001407590.1, NM_001407591.1); c.2033-1G>A (NM_001408443.1, NM_001408439.1, NM_001408433.1 and 10 more transcripts); c.2036-1G>A (NM_001408425.1, NM_001408429.1, NM_001408428.1 and 4 more transcripts); c.5339-1G>A (NM_001407681.1, NM_001407687.1, NM_001407683.1 and 6 more transcripts); and 84 more.
Identifiers: ClinVar variation 125856 (VCV000125856.49), dbSNP rs80358048, ClinGen allele CA003623.

ClinVar aggregate classification (germline): Pathogenic. Review status: reviewed by expert panel (3 of 4 stars). 11 submissions from 11 submitters: Pathogenic (1). 10 of the submissions do not count toward it. Last evaluated 2019-06-18.

Conditions:
Breast-ovarian cancer, familial, susceptibility to, 1 (BROVCA1). Also called: BRCA1 Hereditary Breast and Ovarian Cancer; OVARIAN CANCER, SUSCEPTIBILITY TO. Identifiers: Orphanet 145, MedGen C2676676, MONDO:0011450, OMIM 604370. Disease mechanism: loss of function.
Hereditary breast ovarian cancer syndrome. Also called: Hereditary breast and/or ovarian cancer syndrome; Breast and ovarian cancer; Hereditary breast and ovarian cancer syndrome; Hereditary breast and ovarian cancer; Hereditary breast and ovarian cancer syndrome (HBOC); BRCA1- and BRCA2-Associated Hereditary Breast and Ovarian Cancer. Identifiers: Orphanet 145, MedGen C0677776, MeSH D061325, MONDO:0003582. Disease mechanism: loss of function.
Hereditary cancer-predisposing syndrome. Also called: Tumor predisposition; Hereditary neoplastic syndrome; Hereditary Cancer Syndrome; Neoplastic Syndromes, Hereditary. Identifiers: Orphanet 140162, MedGen C0027672, MeSH D009386, MONDO:0015356.

Submissions 1 to 7 of 12:

Evidence-based Network for the Interpretation of Germline Mutant Alleles (ENIGMA)
Classification: Pathogenic for Breast-ovarian cancer, familial, susceptibility to, 1. Last evaluated: 2019-06-18. Review status: reviewed by expert panel. Criteria: ENIGMA BRCA1/2 Classification Criteria (2017-06-29). Collection method: curation. Allele origin: germline.
Comment: IARC class based on posterior probability from multifactorial likelihood analysis, thresholds for class as per Plon et al. 2008 (PMID: 18951446). Class 5 based on posterior probability = 0.99972

Quest Diagnostics Nichols Institute San Juan Capistrano
Classification: Pathogenic. Last evaluated: 2025-08-08. Review status: criteria provided, single submitter. Criteria: Quest Diagnostics criteria. Collection method: clinical testing. Allele origin: unknown. Not counted in ClinVar's aggregate classification.
Comment: The BRCA1 c.5468-1G>A variant disrupts a canonical splice-acceptor site and interferes with normal BRCA1 mRNA splicing. This variant has been reported in the published literature in a large worldwide study of BRCA1/2 positive families (PMID: 29446198 (2018)), and individuals with breast and/or ovarian cancer (PMID: 28724667 (2017), 31336956 (2019), 31409081 (2019), 32438681 (2020), 34034685 (2021), 35464868 (2022), 39041507 (2024). This variant was also reported as being pathogenic in a multifactorial likelihood study (PMID: 31131967 (2019)). Functional studies demonstrated that this variant had a damaging effect on protein function, with loss of functional activity in a saturation genome editing using a haploid cell line (PMID: 30209399 (2018)), activation of a cryptic splice site and introduction of a new termination codon (PMID: 29280214 (2018)). This variant has not been reported in large, multi-ethnic general populations (Genome Aggregation Database). Based on the available information, this variant is classified as pathogenic.

Labcorp Genetics (formerly Invitae), Labcorp
Classification: Pathogenic for Hereditary breast ovarian cancer syndrome. Last evaluated: 2025-05-12. Review status: criteria provided, single submitter. Criteria: Invitae Variant Classification Sherloc (09022015). Collection method: clinical testing. Allele origin: germline. Not counted in ClinVar's aggregate classification.
Comment: This sequence change affects an acceptor splice site in intron 22 of the BRCA1 gene. RNA analysis indicates that disruption of this splice site induces altered splicing and likely disrupts the C-terminus of the protein. This variant is not present in population databases (gnomAD no frequency). Disruption of this splice site has been observed in individual(s) with breast and ovarian cancer (PMID: 28724667, 30103829). ClinVar contains an entry for this variant (Variation ID: 125856). Studies have shown that disruption of this splice site results in activation of a cryptic splice site and introduces a new termination codon (PMID: 29280214). However the mRNA is not expected to undergo nonsense-mediated decay. This variant disrupts the C-terminal end of the BRCA1 protein partially including the BRCT domain (residues 1646-1859), which is important for DNA repair activity (PMID: 11573086, 14576433, 15133503, 25652403). While functional studies have not been performed to directly test the effect on BRCA1 protein function, this suggests that disruption of the C-terminal portion of the protein is functionally important. A different truncation (p.Tyr1853*) that lies downstream of this variant has been determined to be pathogenic (PMID: 21922593, 10811118, 11739404, 12400015, 7894493, internal data). This suggests that variants that disrupt this region of the protein are likely to be causative of disease. For these reasons, this variant has been classified as Pathogenic.

Ambry Genetics
Classification: Pathogenic for Hereditary cancer-predisposing syndrome. Last evaluated: 2024-06-04. Review status: criteria provided, single submitter. Criteria: Ambry Variant Classification Scheme 2023. Collection method: clinical testing. Allele origin: germline. Not counted in ClinVar's aggregate classification.
Comment: The c.5468-1G>A intronic pathogenic mutation results from a G to A substitution one nucleotide upstream from coding exon 22 of the BRCA1 gene. Alterations that disrupt the canonical splice site are expected to result in aberrant splicing. This alteration was detected in a cohort of 8085 consecutive unselected Chinese breast cancer patients who underwent multi-gene panel testing. (Sun J et al. Clin Cancer Res, 2017 Oct;23:6113-6119). This alteration was also identified in a large, worldwide study of BRCA1/2 mutation positive families (Rebbeck TR et al. Hum Mutat, 2018 05;39:593-620). One functional study found that this nucleotide substitution is non-functional in a high-throughput, genome editing, haploid cell survival assay (Findlay GM et al. Nature, 2018 10;562:217-222). This alteration was also classified as pathogenic in a multifactorial model of variant interpretation that incorporates co-segregation, family history, co-occurrence and tumor pathology and case-control data (Parsons MT et al. Hum Mutat, 2019 09;40:1557-1578). This nucleotide position is highly conserved in available vertebrate species. In silico splice site analysis predicts that this alteration will weaken the native splice acceptor site and will result in the creation or strengthening of a novel splice acceptor site; however, direct evidence is insufficient at this time (Ambry internal data). Based on the supporting evidence, this alteration is interpreted as a disease-causing mutation.

Clinical Genetics Laboratory, Skane University Hospital Lund
Classification: Pathogenic. Last evaluated: 2024-02-01. Review status: criteria provided, single submitter. Criteria: ACMG Guidelines, 2015. Collection method: clinical testing. Allele origin: germline. Affected: yes. Not counted in ClinVar's aggregate classification.

Color Diagnostics, LLC DBA Color Health
Classification: Pathogenic for Hereditary cancer-predisposing syndrome. Last evaluated: 2023-08-31. Review status: criteria provided, single submitter. Criteria: ACMG Guidelines, 2015. Collection method: clinical testing. Allele origin: germline. Not counted in ClinVar's aggregate classification.
Comment: This variant causes a G to A nucleotide substitution at the -1 position of intron 22 of the BRCA1 gene. RNA studies have reported that this variant results in the out-of-frame deletion of 11 nucleotides from the last coding exon 23, and this deletion is expected to truncate the last 31 amino acids from the functionally important BRCT domain (PMID: 29280214, 31843900). A functional study has reported that this variant impacts BRCA1 function in a haploid cell proliferation assay (PMID: 30209399). This variant has been reported in at least one individual affected with breast cancer (PMID: 28724667) and in suspected hereditary breast and/or ovarian cancer families (PMID: 29446198, 31843900, 35464868), and a multifactorial analysis has reported likelihood ratios for pathogenicity based on segregation, tumor pathology, co-occurrence with a pathogenic variant and family history of 2.0952, 41.2405, 1.0331 and 1.2376, respectively (PMID: 31131967). This variant has not been identified in the general population by the Genome Aggregation Database (gnomAD). Loss of BRCA1 function is a known mechanism of disease. Based on the available evidence, this variant is classified as Pathogenic.

Women's Health and Genetics/Laboratory Corporation of America, LabCorp
Classification: Pathogenic for Hereditary breast ovarian cancer syndrome. Last evaluated: 2021-11-26. Review status: criteria provided, single submitter. Criteria: LabCorp Variant Classification Summary - May 2015. Collection method: clinical testing. Allele origin: germline. Not counted in ClinVar's aggregate classification.
Comment: Variant summary: BRCA1 c.5468-1G>A is located in a canonical splice-site and is predicted to affect mRNA splicing resulting in a significantly altered protein due to either exon skipping, shortening, or inclusion of intronic material. Several computational tools predict a significant impact on normal splicing: four predict the variant abolishes a 3 prime acceptor site. At least one publication reports experimental evidence that this variant affects mRNA splicing (Casadei_2019). The variant was absent in 250614 control chromosomes. c.5468-1G>A has been reported in the literature in individuals affected with Hereditary Breast And Ovarian Cancer Syndrome. At least one publication reports experimental evidence evaluating an impact on protein function and showed that this variant is non-functional (Findlay_2018). Three clinical diagnostic laboratories and an expert panel have submitted clinical-significance assessments for this variant to ClinVar after 2014 without evidence for independent evaluation. All submitters classified the variant as pathogenic. Based on the evidence outlined above, the variant was classified as pathogenic.